The following is an entry in ClinVar:

ClinVar aggregate classification (germline): Uncertain significance (1 of 4 stars; one submission).

Conditions:
Cardiovascular phenotype. Identifiers: MedGen CN230736.

Submission:

Ambry Genetics
Classification: Uncertain significance for Cardiovascular phenotype. Last evaluated: 2022-03-07. Review status: criteria provided, single submitter. Criteria: Ambry Variant Classification Scheme 2023. Collection method: clinical testing. Allele origin: germline.
Comment: The p.E151* variant (also known as c.451G>T), located in coding exon 4 of the ANKRD1 gene, results from a G to T substitution at nucleotide position 451. This changes the amino acid from a glutamic acid to a stop codon within coding exon 4. This alteration is expected to result in premature protein truncation or nonsense-mediated mRNA decay. However, loss of function of ANKRD1 has not been clearly established as a mechanism of disease. The evidence for this gene-disease relationship is limited; therefore, the clinical significance of this alteration is unclear.

NM_014391.3(ANKRD1):c.451G>T (p.Glu151Ter)

Gene: ANKRD1 (ankyrin repeat domain 1; minus strand). Cytogenetic location: 10q23.31.
Variant type: single nucleotide variant.
Coding change: c.451G>T on transcript NM_014391.3 (MANE Select); coding-DNA position 451, G replaced by T.
Protein change: p.Glu151Ter; replaces glutamic acid 151 with a stop codon.
Molecular consequence: nonsense.
Genome position (GRCh38, 1-based): chr10:90,918,867, C>A on the plus strand (G>T on the coding strand, the complement: ANKRD1 is on the minus strand). VCF-style: chr10-90918867-C-A. GRCh37 (hg19) VCF-style: chr10-92678624-C-A.
Other names: short protein forms E151*.
Identifiers: ClinVar variation 1741204 (VCV001741204.2), dbSNP rs1407435313, ClinGen allele CA377552007.